The following is an entry in ClinVar:

NM_001372.4(DNAH9):c.12430C>A (p.Leu4144Met)

Gene: DNAH9 (dynein axonemal heavy chain 9; plus strand). Cytogenetic location: 17p12.
Variant type: single nucleotide variant.
Coding change: c.12430C>A on transcript NM_001372.4 (MANE Select); coding-DNA position 12430, C replaced by A.
Protein change: p.Leu4144Met; replaces leucine 4144 with methionine.
Molecular consequence: missense variant.
Genome position (GRCh38, 1-based): chr17:11,934,012, C>A. VCF-style: chr17-11934012-C-A. GRCh37 (hg19) VCF-style: chr17-11837329-C-A.
Other names: c.1366C>A, p.Leu456Met (NM_004662.2); short protein forms L4144M, L456M.
Identifiers: ClinVar variation 4744787 (VCV004744787.1).

ClinVar aggregate classification (germline): Uncertain significance (1 of 4 stars; one submission).

Submission:

Labcorp Genetics (formerly Invitae), Labcorp
Classification: Uncertain significance. Last evaluated: 2025-02-10. Review status: criteria provided, single submitter. Criteria: Invitae Variant Classification Sherloc (09022015). Collection method: clinical testing. Allele origin: germline.
Comment: This sequence change replaces leucine, which is neutral and non-polar, with methionine, which is neutral and non-polar, at codon 4144 of the DNAH9 protein (p.Leu4144Met). This variant is not present in population databases (gnomAD no frequency). This variant has not been reported in the literature in individuals affected with DNAH9-related conditions. Invitae Evidence Modeling of protein sequence and biophysical properties (such as structural, functional, and spatial information, amino acid conservation, physicochemical variation, residue mobility, and thermodynamic stability) has been performed for this missense variant. However, the output from this modeling did not meet the statistical confidence thresholds required to predict the impact of this variant on DNAH9 protein function. In summary, the available evidence is currently insufficient to determine the role of this variant in disease. Therefore, it has been classified as a Variant of Uncertain Significance.